The following is an entry in ClinVar:

ClinVar aggregate classification (germline): Pathogenic (1 of 4 stars; one submission).

Conditions:
Leukodystrophy, hypomyelinating, 8, with or without oligodontia and/or hypogonadotropic hypogonadism. Also called: Endosteal sclerosis-cerebellar hypoplasia syndrome; Hypomyelinating leukodystrophy 8 with or without oligodontia and-or hypogonadotropic hypogonadism; LEUKODYSTROPHY, HYPOMYELINATING, 8, WITH HYPODONTIA AND HYPOGONADOTROPIC HYPOGONADISM. Identifiers: Orphanet 85186, Orphanet 88637, MedGen C3280644, MONDO:0013722, OMIM 614381.

Submission:

Greenwood Genetic Center Diagnostic Laboratories, Greenwood Genetic Center
Classification: Pathogenic for Leukodystrophy, hypomyelinating, 8, with or without oligodontia and/or hypogonadotropic hypogonadism. Last evaluated: 2023-08-02. Review status: criteria provided, single submitter. Criteria: ACMG Guidelines, 2015. Collection method: clinical testing. Allele origin: germline. Affected: yes.
Comment: PVS1, PM2, PM3

NM_018082.6(POLR3B):c.2511del (p.Ile838fs)

Gene: POLR3B (RNA polymerase III subunit B; plus strand). Cytogenetic location: 12q23.3.
Variant type: Deletion.
Coding change: c.2511del on transcript NM_018082.6 (MANE Select); coding-DNA position 2511, one base deleted (G; older notation c.2511delG).
Protein change: p.Ile838fs; shifts the reading frame from isoleucine 838.
Molecular consequence: frameshift variant.
Genome position (GRCh38, 1-based): chr12:106,459,309, G deleted. VCF-style (leftmost placement, unchanged base first): chr12-106459308-AG-A. GRCh37 (hg19) VCF-style: chr12-106853086-AG-A.
Other names: c.2337del, p.Ile780fs (NM_001160708.2); short protein forms I780fs, I838fs.
Identifiers: ClinVar variation 2626869 (VCV002626869.1), dbSNP rs2542167959, ClinGen allele CA2582341796.